The following is an entry in ClinVar:

ClinVar aggregate classification (germline): Likely benign. Review status: criteria provided, multiple submitters, no conflicts (2 of 4 stars). 3 submissions from 3 submitters: Likely benign (3). Last evaluated 2025-09-01.

Allele frequency attached by ClinVar (database versions not stated): gnomAD exomes 0.00008; TOPMed 0.00008; gnomAD 0.00009; ExAC 0.00012; 1000 Genomes Project 30x 0.00062; 1000 Genomes Project 0.00080.
gnomAD v4.1: 137 of 1,613,888 alleles (0.0085%); highest among the groups gnomAD compares: South Asian, 0.014%; no homozygotes.

Submissions (3):

CeGaT Center for Human Genetics Tuebingen
Classification: Likely benign. Last evaluated: 2025-09-01. Review status: criteria provided, single submitter. Criteria: CeGaT Center For Human Genetics Tuebingen Variant Classification Criteria Version 2. Collection method: clinical testing. Allele origin: germline. Affected: yes. Observed: 2 variant alleles.
Comment: NDST1: BP4, BP7

Blueprint Genetics
Classification: Likely benign. Last evaluated: 2024-06-18. Review status: criteria provided, single submitter. Criteria: ACMG Guidelines, 2015. Collection method: clinical testing. Allele origin: germline.

Labcorp Genetics (formerly Invitae), Labcorp
Classification: Likely benign. Last evaluated: 2023-05-15. Review status: criteria provided, single submitter. Criteria: Invitae Variant Classification Sherloc (09022015). Collection method: clinical testing. Allele origin: germline.

NM_001543.5(NDST1):c.486C>T (p.Tyr162=)

Gene: NDST1 (N-deacetylase and N-sulfotransferase 1; plus strand). Cytogenetic location: 5q33.1.
Variant type: single nucleotide variant.
Coding change: c.486C>T on transcript NM_001543.5 (MANE Select); coding-DNA position 486, C replaced by T.
Protein change: p.Tyr162=; no amino-acid change (tyrosine 162 retained).
Molecular consequence: synonymous variant.
Genome position (GRCh38, 1-based): chr5:150,521,740, C>T. VCF-style: chr5-150521740-C-T. GRCh37 (hg19) VCF-style: chr5-149901302-C-T.
Other names: c.486C>T, p.Tyr162= (NM_001301063.2).
Identifiers: ClinVar variation 2655933 (VCV002655933.28), dbSNP rs139997125, ClinGen allele CA3512408.